The following is an entry in ClinVar:

ClinVar aggregate classification (germline): Pathogenic (1 of 4 stars; one submission).

Submission:

Labcorp Genetics (formerly Invitae), Labcorp
Classification: Pathogenic. Last evaluated: 2023-08-10. Review status: criteria provided, single submitter. Criteria: Invitae Variant Classification Sherloc (09022015). Collection method: clinical testing. Allele origin: germline.
Comment: This sequence change creates a premature translational stop signal (p.Phe104Leufs*18) in the CYP19A1 gene. It is expected to result in an absent or disrupted protein product. Loss-of-function variants in CYP19A1 are known to be pathogenic (PMID: 14602738, 27086564, 27256151). This variant is present in population databases (rs745865546, gnomAD 0.003%). This premature translational stop signal has been observed in individual(s) with aromatase deficiency (PMID: 18590994). This variant is also known as 23 bp deletion in exon IV in literature. ClinVar contains an entry for this variant (Variation ID: 1450839). For these reasons, this variant has been classified as Pathogenic.

Literature cited by the submitters: PubMed 14602738; PubMed 27086564; PubMed 27256151; PubMed 18590994.

NM_000103.4(CYP19A1):c.312_334del (p.Phe104fs)

Genes: CYP19A1 (cytochrome P450 family 19 subfamily A member 1; minus strand), MIR4713HG (MIR4713 host gene; plus strand), PIRC66 (piwi-interacting RNA cluster 66; plus strand). Cytogenetic location: 15q21.2.
Variant type: Deletion.
Coding change: c.312_334del on transcript NM_000103.4 (MANE Select); coding-DNA positions 312 to 334, 23 bases deleted (CCACATAATGAAGCACAATCATT).
Protein change: p.Phe104fs; shifts the reading frame from phenylalanine 104.
Molecular consequence: frameshift variant.
Genome position (GRCh38, 1-based): chr15:51,227,896-51,227,918, AATGATTGTGCTTCATTATGTGG deleted on the plus strand (CCACATAATGAAGCACAATCATT on the coding strand, the reverse complement: CYP19A1 is on the minus strand); deleting any 23 consecutive bases within chr15:51,227,896-51,227,920 gives the same sequence; the c. name uses the placement nearest the transcript's 3' end. VCF-style (leftmost placement, unchanged base first): chr15-51227895-TAATGATTGTGCTTCATTATGTGG-T. GRCh37 (hg19) VCF-style: chr15-51520092-TAATGATTGTGCTTCATTATGTGG-T.
Other names: c.312_334del, p.Phe104fs (NM_001347248.1, NM_001347249.2, NM_001347250.2 and 7 more transcripts); short protein forms F104fs.
Identifiers: ClinVar variation 1450839 (VCV001450839.8), dbSNP rs745865546, ClinGen allele CA7560096.